The following is an entry in ClinVar:

ClinVar aggregate classification (germline): Uncertain significance. Review status: criteria provided, multiple submitters, no conflicts (2 of 4 stars). 2 submissions from 2 submitters: Uncertain significance (2). Last evaluated 2024-02-17.

Conditions:
RYR1-related disorder. Also called: RYR1-related condition; RYR1-related disorders. Identifiers: MedGen CN239331.

Allele frequency attached by ClinVar (database versions not stated): gnomAD exomes below 0.00001.
gnomAD v4.1: 3 of 1,591,214 alleles (0.00019%); highest among the groups gnomAD compares: South Asian, 0.0011%; no homozygotes.

Submissions (2):

Labcorp Genetics (formerly Invitae), Labcorp
Classification: Uncertain significance for RYR1-related disorder. Last evaluated: 2024-02-17. Review status: criteria provided, single submitter. Criteria: Invitae Variant Classification Sherloc (09022015). Collection method: clinical testing. Allele origin: germline.
Comment: This sequence change replaces glutamic acid, which is acidic and polar, with alanine, which is neutral and non-polar, at codon 4228 of the RYR1 protein (p.Glu4228Ala). This variant is present in population databases (no rsID available, gnomAD 0.004%). This variant has not been reported in the literature in individuals affected with RYR1-related conditions. ClinVar contains an entry for this variant (Variation ID: 2502653). Advanced modeling of protein sequence and biophysical properties (such as structural, functional, and spatial information, amino acid conservation, physicochemical variation, residue mobility, and thermodynamic stability) performed at Invitae indicates that this missense variant is expected to disrupt RYR1 protein function with a positive predictive value of 95%. In summary, the available evidence is currently insufficient to determine the role of this variant in disease. Therefore, it has been classified as a Variant of Uncertain Significance.

GeneDx
Classification: Uncertain significance. Last evaluated: 2022-11-10. Review status: criteria provided, single submitter. Criteria: GeneDx Variant Classification Process June 2021. Collection method: clinical testing. Allele origin: germline. Affected: yes.
Comment: Not observed at significant frequency in large population cohorts (gnomAD); In silico analysis supports that this missense variant has a deleterious effect on protein structure/function; Has not been previously published as pathogenic or benign to our knowledge

NM_000540.3(RYR1):c.12683A>C (p.Glu4228Ala)

Gene: RYR1 (ryanodine receptor 1; plus strand). Cytogenetic location: 19q13.2.
Variant type: single nucleotide variant.
Coding change: c.12683A>C on transcript NM_000540.3 (MANE Select); coding-DNA position 12683, A replaced by C.
Protein change: p.Glu4228Ala; replaces glutamic acid 4228 with alanine.
Molecular consequence: missense variant.
Genome position (GRCh38, 1-based): chr19:38,565,017, A>C. VCF-style: chr19-38565017-A-C. GRCh37 (hg19) VCF-style: chr19-39055657-A-C.
Other names: c.12668A>C, p.Glu4223Ala (NM_001042723.2); short protein forms E4223A, E4228A.
Identifiers: ClinVar variation 2502653 (VCV002502653.3), dbSNP rs1245026251, ClinGen allele CA405670910.